The following is an entry in ClinVar:

NM_005475.3(SH2B3):c.634G>A (p.Asp212Asn)

Gene: SH2B3 (SH2B adaptor protein 3; plus strand). Cytogenetic location: 12q24.12.
Variant type: single nucleotide variant.
Coding change: c.634G>A on transcript NM_005475.3 (MANE Select); coding-DNA position 634, G replaced by A.
Protein change: p.Asp212Asn; replaces aspartic acid 212 with asparagine.
Molecular consequence: missense variant.
Genome position (GRCh38, 1-based): chr12:111,418,779, G>A. VCF-style: chr12-111418779-G-A. GRCh37 (hg19) VCF-style: chr12-111856583-G-A.
Other names: short protein forms D212N.
Identifiers: ClinVar variation 3953554 (VCV003953554.1).

ClinVar aggregate classification (germline): Uncertain significance (1 of 4 stars; one submission).

Conditions:
Inborn genetic diseases. Identifiers: MedGen C0950123, MeSH D030342.

Submission:

Ambry Genetics
Classification: Uncertain significance for Inborn genetic diseases. Last evaluated: 2025-06-02. Review status: criteria provided, single submitter. Criteria: Ambry Variant Classification Scheme 2023. Collection method: clinical testing. Allele origin: germline.
Comment: The p.D212N variant (also known as c.634G>A), located in coding exon 1 of the SH2B3 gene, results from a G to A substitution at nucleotide position 634. The aspartic acid at codon 212 is replaced by asparagine, an amino acid with highly similar properties. This amino acid position is conserved. In addition, this alteration is predicted to be tolerated by in silico analysis. Based on the available evidence, the clinical significance of this variant remains unclear.